The following is an entry in ClinVar:

ClinVar aggregate classification (germline): Likely benign. Review status: criteria provided, multiple submitters, no conflicts (2 of 4 stars). 2 submissions from 2 submitters: Likely benign (2). Last evaluated 2026-04-24.

Conditions:
KIF1A-related disorder. Also called: KIF1A-related disorders; KIF1A-related condition.

gnomAD v4.1: 78 of 1,538,824 alleles (0.0051%); highest among the groups gnomAD compares: Non-Finnish European, 0.0061%; no homozygotes.

Submissions (2):

PreventionGenetics, part of Exact Sciences
Classification: Likely benign for KIF1A-related condition. Last evaluated: 2026-04-24. Review status: criteria provided, single submitter. Criteria: ACMG Guidelines, 2015. Collection method: clinical testing. Allele origin: germline.
Comment: This variant is classified as likely benign based on ACMG/AMP sequence variant interpretation guidelines (Richards et al. 2015 PMID: 25741868, with internal and published modifications).

Blueprint Genetics
Classification: Likely benign. Last evaluated: 2022-09-20. Review status: criteria provided, single submitter. Criteria: ACMG Guidelines, 2015. Collection method: clinical testing. Allele origin: germline.

NM_001244008.2(KIF1A):c.2770C>T (p.Leu924=)

Gene: KIF1A (kinesin family member 1A; minus strand). Cytogenetic location: 2q37.3.
Variant type: single nucleotide variant.
Coding change: c.2770C>T on transcript NM_001244008.2 (MANE Select); coding-DNA position 2770, C replaced by T.
Protein change: p.Leu924=; no amino-acid change (leucine 924 retained).
Molecular consequence: synonymous variant. On other transcripts: intron variant (18).
Genome position (GRCh38, 1-based): chr2:240,757,407, G>A on the plus strand (C>T on the coding strand, the complement: KIF1A is on the minus strand). VCF-style: chr2-240757407-G-A. GRCh37 (hg19) VCF-style: chr2-241696824-G-A.
Other names: c.2845C>T, p.Leu949= (NM_001379631.1); c.2719C>T, p.Leu907= (NM_001379632.1); c.2743C>T, p.Leu915= (NM_001379633.1, NM_001379642.1, NM_001379645.1); c.2555+953C>T (NM_001379653.1, NM_001379650.1, NM_001379640.1 and 6 more transcripts); c.2657+953C>T (NM_001379635.1, NM_001330290.2, NM_001379646.1 and 1 more transcripts); c.2630+953C>T (NM_001379637.1, NM_001379648.1); c.2582+953C>T (NM_001320705.2, NM_001379638.1, NM_001330289.2).
Identifiers: ClinVar variation 4960898 (VCV004960898.2).